The following is an entry in ClinVar:

NM_017617.5(NOTCH1):c.1077C>T (p.Cys359=)

Gene: NOTCH1 (notch receptor 1; minus strand). Cytogenetic location: 9q34.3.
Variant type: single nucleotide variant.
Coding change: c.1077C>T on transcript NM_017617.5 (MANE Select); coding-DNA position 1077, C replaced by T.
Protein change: p.Cys359=; no amino-acid change (cysteine 359 retained).
Molecular consequence: synonymous variant.
Genome position (GRCh38, 1-based): chr9:136,518,613, G>A on the plus strand (C>T on the coding strand, the complement: NOTCH1 is on the minus strand). VCF-style: chr9-136518613-G-A. GRCh37 (hg19) VCF-style: chr9-139413065-G-A.
Other names: c.1077C>T, p.Cys359= (LRG_1122t1).
Identifiers: ClinVar variation 241115 (VCV000241115.11), dbSNP rs202235419, ClinGen allele CA5341937.

ClinVar aggregate classification (germline): Benign. Review status: criteria provided, single submitter (1 of 4 stars). 2 submissions from 2 submitters: Benign (1). 1 of the submissions does not count toward it. Last evaluated 2022-12-06.

Conditions:
Adams-Oliver syndrome 5 (AOS5). Identifiers: Orphanet 974, MedGen C4014970, MONDO:0014459, OMIM 616028.

Allele frequency attached by ClinVar (database versions not stated): 1000 Genomes Project 30x 0.00016; 1000 Genomes Project 0.00020; gnomAD 0.00001 and 0.00003; gnomAD exomes 0.00003 and 0.00002; TOPMed 0.00001; ExAC 0.00004.
gnomAD v4.1: 41 of 1,612,710 alleles (0.0025%); highest among the groups gnomAD compares: East Asian, 0.062%; no homozygotes.

Submissions (3):

Labcorp Genetics (formerly Invitae), Labcorp
Classification: Benign for Adams-Oliver syndrome 5. Last evaluated: 2022-12-06. Review status: criteria provided, single submitter. Criteria: Invitae Variant Classification Sherloc (09022015). Collection method: clinical testing. Allele origin: germline.

Department of Pathology and Laboratory Medicine, Sinai Health System
Classification: Uncertain significance. Review status: no assertion criteria provided. Collection method: clinical testing. Allele origin: unknown. Affected: yes. Study: The Canadian Open Genetics Repository (COGR). Not counted in ClinVar's aggregate classification.
Comment: The NOTCH1 p.Cys359Cys variant was not identified in the literature nor was it identified in ClinVar or LOVD 3.0. The variant was identified in dbSNP (ID: rs202235419) and ClinVar (classified as a variant of uncertain significance by Invitae for Adams-Oliver syndrome 5). The variant was identified in control databases in 5 of 246920 chromosomes at a frequency of 0.00002025 (Genome Aggregation Database March 6, 2019, v2.1.1). The variant was observed in the following populations: East Asian in 3 of 18082 chromosomes (freq: 0.000166), South Asian in 1 of 30592 chromosomes (freq: 0.000033) and Latino in 1 of 34456 chromosomes (freq: 0.000029), but was not observed in the African, Ashkenazi Jewish, European (Finnish), European (non-Finnish), or Other populations. The p.Cys359Cys variant is not expected to have clinical significance because it does not result in a change of amino acid and is not located in a known consensus splice site, however 4 of 4 in silico or computational prediction software programs (SpliceSiteFinder, MaxEntScan, NNSPLICE, GeneSplicer) predict a greater than 10% difference in splicing and the creation of a new 5' splice site. However, this has not been confirmed through RNA analysis and is not predictive enough to assume pathogenicity. In summary, based on the above information the clinical significance of this variant cannot be determined with certainty at this time. This variant is classified as a variant of uncertain significance.

Dr. Peter K. Rogan Lab, Western University
No classification provided (evidence only). Condition: Hepatocellular carcinoma. Review status: no classification provided. Collection method: in vitro. Allele origin: not applicable. Functional consequence: retained intron. Not counted in ClinVar's aggregate classification.